The following is an entry in ClinVar:

NM_018341.3(ERMARD):c.694C>T (p.Arg232Cys)

Gene: ERMARD (ER membrane associated RNA degradation; plus strand). Cytogenetic location: 6q27.
Variant type: single nucleotide variant.
Coding change: c.694C>T on transcript NM_018341.3 (MANE Select); coding-DNA position 694, C replaced by T.
Protein change: p.Arg232Cys; replaces arginine 232 with cysteine.
Molecular consequence: missense variant.
Genome position (GRCh38, 1-based): chr6:169,759,926, C>T. VCF-style: chr6-169759926-C-T. GRCh37 (hg19) VCF-style: chr6-170160022-C-T.
Other names: c.694C>T, p.Arg232Cys (NM_001278531.2, NM_001278533.2); c.316C>T, p.Arg106Cys (NM_001278532.2, NM_001410957.1); short protein forms R106C, R232C.
Identifiers: ClinVar variation 3023434 (VCV003023434.3), dbSNP rs746574136, ClinGen allele CA4105951.

ClinVar aggregate classification (germline): Uncertain significance (1 of 4 stars; one submission).

Allele frequency attached by ClinVar (database versions not stated): ExAC 0.00001; gnomAD 0.00001; TOPMed 0.00002.

Submission:

Labcorp Genetics (formerly Invitae), Labcorp
Classification: Uncertain significance. Last evaluated: 2024-05-29. Review status: criteria provided, single submitter. Criteria: Invitae Variant Classification Sherloc (09022015). Collection method: clinical testing. Allele origin: germline.
Comment: This sequence change replaces arginine, which is basic and polar, with cysteine, which is neutral and slightly polar, at codon 232 of the ERMARD protein (p.Arg232Cys). This variant is present in population databases (rs746574136, gnomAD 0.003%). This variant has not been reported in the literature in individuals affected with ERMARD-related conditions. Advanced modeling of protein sequence and biophysical properties (such as structural, functional, and spatial information, amino acid conservation, physicochemical variation, residue mobility, and thermodynamic stability) performed at Invitae indicates that this missense variant is expected to disrupt ERMARD protein function with a positive predictive value of 80%. In summary, the available evidence is currently insufficient to determine the role of this variant in disease. Therefore, it has been classified as a Variant of Uncertain Significance.